The following is an entry in ClinVar:

NM_007294.4(BRCA1):c.302-12T>G

Gene: BRCA1 (BRCA1 DNA repair associated; minus strand). Cytogenetic location: 17q21.31.
Variant type: single nucleotide variant.
Coding change: c.302-12T>G on transcript NM_007294.4 (MANE Select); 12 bases into the intron before coding-DNA position 302, T replaced by G.
Molecular consequence: intron variant.
Genome position (GRCh38, 1-based): chr17:43,104,273, A>C on the plus strand (T>G on the coding strand, the complement: BRCA1 is on the minus strand). VCF-style: chr17-43104273-A-C. GRCh37 (hg19) VCF-style: chr17-41256290-A-C.
Other names: c.161-12T>G (NM_001408456.1, NM_001407733.1, NM_001407942.1 and 99 more transcripts); c.302-12T>G (NM_001408401.1, NM_001408396.1, NM_001407985.1 and 164 more transcripts); c.92-12T>G (NM_001408482.1, NM_001407954.1, NM_001407885.1 and 58 more transcripts); c.-218-9413T>G (NM_001407967.1, NM_001407966.1); c.-80-12T>G (NM_001407959.1, NM_001407962.1, NM_001408512.1 and 4 more transcripts); c.170-12T>G (NM_001408451.1); c.224-12T>G (NM_001408475.1, NM_001407875.1, NM_001407659.1 and 21 more transcripts); c.293-12T>G (NM_001408408.1, NM_001407647.1, NM_001407646.1).
Identifiers: ClinVar variation 1171200 (VCV001171200.3), dbSNP rs2154550296, ClinGen allele CA2499224618.
Genomic context (GRCh38, chr17:43,104,273, plus strand): 5'-TGTTCAGGAGAGTTATTTTCCTTTTTTGCAAAATTATAGCTGTTTGCATCTGTAAAATAC[A>C]AGGGAAAACATTATGTTTGCAGTTAGAGAAAAATGTATGAATTATAATCAAAGAAACCAA-3'

ClinVar aggregate classification (germline): Uncertain significance (1 of 4 stars; one submission).

Conditions:
Hereditary cancer-predisposing syndrome. Also called: Tumor predisposition; Hereditary neoplastic syndrome; Hereditary Cancer Syndrome; Neoplastic Syndromes, Hereditary. Identifiers: Orphanet 140162, MedGen C0027672, MeSH D009386, MONDO:0015356.

Submission:

Color Diagnostics, LLC DBA Color Health
Classification: Uncertain significance for Hereditary cancer-predisposing syndrome. Last evaluated: 2020-12-01. Review status: criteria provided, single submitter. Criteria: ACMG Guidelines, 2015. Collection method: clinical testing. Allele origin: germline.
Comment: This variant causes a T to G nucleotide substitution at the -12 position of intron 5 of the BRCA1 gene. To our knowledge, functional studies have not been reported for this variant. This variant has not been reported in individuals affected with hereditary cancer in the literature. This variant has not been identified in the general population by the Genome Aggregation Database (gnomAD). The available evidence is insufficient to determine the role of this variant in disease conclusively. Therefore, this variant is classified as a Variant of Uncertain Significance.